The following is an entry in ClinVar:

NM_001367624.2(ZNF469):c.11293C>T (p.Pro3765Ser)

Gene: ZNF469 (zinc finger protein 469; plus strand). Cytogenetic location: 16q24.2.
Variant type: single nucleotide variant.
Coding change: c.11293C>T on transcript NM_001367624.2 (MANE Select); coding-DNA position 11293, C replaced by T.
Protein change: p.Pro3765Ser; replaces proline 3765 with serine.
Molecular consequence: missense variant.
Genome position (GRCh38, 1-based): chr16:88,438,763, C>T. VCF-style: chr16-88438763-C-T. GRCh37 (hg19) VCF-style: chr16-88505171-C-T.
Other names: NM_001127464.1:c.11209C>T; short protein forms P3765S.
Identifiers: ClinVar variation 3821100 (VCV003821100.1).

ClinVar aggregate classification (germline): Uncertain significance (1 of 4 stars; one submission).

Conditions:
Cardiovascular phenotype. Identifiers: MedGen CN230736.

Submission:

Ambry Genetics
Classification: Uncertain significance for Cardiovascular phenotype. Last evaluated: 2024-12-28. Review status: criteria provided, single submitter. Criteria: Ambry Variant Classification Scheme 2023. Collection method: clinical testing. Allele origin: germline.
Comment: The p.P3737S variant (also known as c.11209C>T), located in coding exon 2 of the ZNF469 gene, results from a C to T substitution at nucleotide position 11209. The proline at codon 3737 is replaced by serine, an amino acid with similar properties. This amino acid position is conserved. In addition, this alteration is predicted to be tolerated by in silico analysis. Based on the available evidence, the clinical significance of this variant remains unclear.